The following is an entry in ClinVar:

NM_021267.5(CERS1):c.898C>T (p.Leu300=)

Genes: CERS1 (ceramide synthase 1; minus strand), GDF1 (growth differentiation factor 1; minus strand). Cytogenetic location: 19p13.11.
Variant type: single nucleotide variant.
Coding change: c.898C>T on transcript NM_021267.5 (MANE Select); coding-DNA position 898, C replaced by T.
Protein change: p.Leu300=; no amino-acid change (leucine 300 retained).
Molecular consequence: synonymous variant. On other transcripts: 5 prime UTR variant (1), intron variant (1).
Genome position (GRCh38, 1-based): chr19:18,879,243, G>A on the plus strand (C>T on the coding strand, the complement: CERS1 is on the minus strand). VCF-style: chr19-18879243-G-A. GRCh37 (hg19) VCF-style: chr19-18990052-G-A.
Other names: c.604C>T, p.Leu202= (NM_001290265.2, NM_001387442.1, NM_001387443.1 and 2 more transcripts); c.898C>T, p.Leu300= (NM_001387439.1, NM_001387440.1, NM_198207.3); c.853C>T, p.Leu285= (NM_001387441.1); c.-425C>T (NM_001492.6); c.-313+4844C>T (NM_001387438.1).
Identifiers: ClinVar variation 475378 (VCV000475378.20), dbSNP rs373928623, ClinGen allele CA9318128.
Genomic context (GRCh38, chr19:18,879,243, plus strand): 5'-ACAGGGATTGGGACGAGGACGGGACCGCCACTGTGGAGGAGAGCCGGGGCCGACTCACCA[G>A]GAACCAGTAGAGGTTCATAAGGGTGAGCAGCAGCAGGAGCGCATTGAAGAAGAAGTAGAA-3'
Protein context (NP_067090.1, residues 290-310): LLTLMNLYWF[Leu300=]YIVAFAAKVL

ClinVar aggregate classification (germline): Likely benign. Review status: criteria provided, multiple submitters, no conflicts (2 of 4 stars). 6 submissions from 6 submitters: Likely benign (4). 2 of the submissions do not count toward it. Last evaluated 2026-01-12.

Conditions:
Progressive myoclonic epilepsy type 8. Identifiers: Orphanet 424027, MedGen C5190825, MONDO:0014545, OMIM 616230.

Allele frequency attached by ClinVar (database versions not stated): gnomAD 0.00035 and 0.00036; TOPMed 0.00036; ESP Exome Variant Server 0.00047; ExAC 0.00056; gnomAD exomes 0.00057; 1000 Genomes Project 0.00060; 1000 Genomes Project 30x 0.00062.

Submissions (6):

Labcorp Genetics (formerly Invitae), Labcorp
Classification: Likely benign for Progressive myoclonic epilepsy type 8. Last evaluated: 2026-01-12. Review status: criteria provided, single submitter. Criteria: Invitae Variant Classification Sherloc (09022015). Collection method: clinical testing. Allele origin: germline.

CeGaT Center for Human Genetics Tuebingen
Classification: Likely benign. Last evaluated: 2026-01-01. Review status: criteria provided, single submitter. Criteria: CeGaT Center For Human Genetics Tuebingen Variant Classification Criteria Version 2. Collection method: clinical testing. Allele origin: germline. Affected: yes. Observed: 1 variant allele.
Comment: CERS1: BP4, BP7

Blueprint Genetics
Classification: Likely benign. Last evaluated: 2024-10-29. Review status: criteria provided, single submitter. Criteria: ACMG Guidelines, 2015. Collection method: clinical testing. Allele origin: germline.

Breakthrough Genomics
Classification: Likely benign. Review status: criteria provided, single submitter. Criteria: ACMG Guidelines, 2015. Collection method: not provided. Allele origin: germline. Inheritance: Autosomal recessive inheritance. Affected: yes.

Clinical Genetics DNA and cytogenetics Diagnostics Lab, Erasmus MC, Erasmus Medical Center
Classification: Likely benign. Review status: no assertion criteria provided. Collection method: clinical testing. Allele origin: germline. Affected: yes. Study: VKGL Data-share Consensus. Not counted in ClinVar's aggregate classification.

Laboratory of Diagnostic Genome Analysis, Leiden University Medical Center (LUMC)
Classification: Likely benign. Review status: no assertion criteria provided. Collection method: clinical testing. Allele origin: germline. Affected: yes. Study: VKGL Data-share Consensus. Not counted in ClinVar's aggregate classification.